The following is an entry in ClinVar:

NM_004999.4(MYO6):c.2473_2478delinsGTT (p.Arg825_Met826delinsVal)

Gene: MYO6 (myosin VI; plus strand). Cytogenetic location: 6q14.1.
Variant type: Indel.
Coding change: c.2473_2478delinsGTT on transcript NM_004999.4 (MANE Select); coding-DNA positions 2473 to 2478, CGAATG replaced by GTT.
Protein change: p.Arg825_Met826delinsVal.
Molecular consequence: inframe indel. On other transcripts: non-coding transcript variant (1).
Genome position (GRCh38, 1-based): chr6:75,886,060-75,886,065, CGAATG replaced by GTT. VCF-style: chr6-75886060-CGAATG-GTT. GRCh37 (hg19) VCF-style: chr6-76595777-CGAATG-GTT.
Other names: c.2473_2478delinsGTT, p.Arg825_Met826delinsVal (NM_001300899.2, NM_001368136.1, NM_001368137.1 and 2 more transcripts); c.2458_2463delinsGTT, p.Arg820_Met821delinsVal (NM_001368138.1).
Identifiers: ClinVar variation 3382101 (VCV003382101.2).

ClinVar aggregate classification (germline): Uncertain significance (1 of 4 stars; one submission).

Conditions:
Autosomal recessive nonsyndromic hearing loss 37. Identifiers: Orphanet 90636, MedGen C1843028, MONDO:0011912, OMIM 607821.
Autosomal dominant nonsyndromic hearing loss 22. Also called: Autosomal dominant nonsyndromic deafness 22; DFNA 22. Identifiers: Orphanet 228012, MedGen C2931767, MONDO:0011660, OMIM 606346.

Submission:

Juno Genomics, Hangzhou Juno Genomics, Inc
Classification: Uncertain significance for Autosomal dominant nonsyndromic hearing loss 22; Autosomal recessive nonsyndromic hearing loss 37. Review status: criteria provided, single submitter. Criteria: ACMG Guidelines, 2015. Collection method: clinical testing. Allele origin: germline. Affected: yes.
Comment: Absent from controls (or at extremely low frequency if recessive) in Genome Aggregation Database, Exome Sequencing Project, 1000 Genomes Project, or Exome Aggregation Consortium.;Protein length changes due to in-frame deletions/insertions in a non-repeat region or stop-loss variants.